The following is an entry in ClinVar:

ClinVar aggregate classification (germline): Uncertain significance. Review status: reviewed by expert panel (3 of 4 stars). 2 submissions from 2 submitters: Uncertain significance (1). 1 of the submissions does not count toward it. Last evaluated 2023-11-13.

Conditions:
Hereditary thrombocytopenia and hematological cancer predisposition syndrome associated with RUNX1. Also called: Familial Platelet Disorder with Propensity to Acute Myelogenous Leukemia; Familial thrombocytopenia with propensity to acute myelogenous leukemia; PLATELET DISORDER, ASPIRIN-LIKE; RUNX1 Familial Platelet Disorder with Associated Myeloid Malignancies. Identifiers: Orphanet 71290, MedGen C1832388, MeSH C563324, MONDO:0100083, OMIM 601399.
Hereditary thrombocytopenia and hematologic cancer predisposition syndrome. Identifiers: Orphanet 71290, MedGen CN281654, MONDO:0011071.

Allele frequency attached by ClinVar (database versions not stated): gnomAD exomes below 0.00001; TOPMed below 0.00001; ExAC 0.00001.
gnomAD v4.1: 1 of 1,600,672 alleles (0.000062%); highest among the groups gnomAD compares: Non-Finnish European, 0.000085%; no homozygotes.

Submissions (2):

ClinGen Myeloid Malignancy Variant Curation Expert Panel
Classification: Uncertain significance for Hereditary thrombocytopenia and hematologic cancer predisposition syndrome. Last evaluated: 2023-11-13. Review status: reviewed by expert panel. Criteria: ClinGen MyeloMalig ACMG Specifications v2. Collection method: curation. Allele origin: germline. Inheritance: Autosomal dominant inheritance.
Comment: The c.143G>A (NM_001754.5) variant in RUNX1 is a missense variant predicted to cause substitution of serine by asparagine at amino acid 48 (p.S48N). The highest population minor allele frequency in gnomAD v2 is 0.000009310 (1/107408 alleles) in the non-Finnish European population. The computational predictor REVEL gives a score of 0.409, which is below the threshold of 0.50, and the splice site predictor SpliceAI indicated that the variant has no impact on splicing, evidence that does not predict a damaging effect on RUNX1 function (BP4). In summary, this variant meets the criteria to be classified as a VUS for autosomal dominant hereditary thrombocytopenia and hematologic cancer predisposition syndrome based on the ACMG/AMP criteria applied, as specified by the ClinGen Myeloid Malignancy VCEP: BP4.

Labcorp Genetics (formerly Invitae), Labcorp
Classification: Uncertain significance for Hereditary thrombocytopenia and hematological cancer predisposition syndrome associated with RUNX1. Last evaluated: 2024-04-29. Review status: criteria provided, single submitter. Criteria: Invitae Variant Classification Sherloc (09022015). Collection method: clinical testing. Allele origin: germline. Not counted in ClinVar's aggregate classification.
Comment: This sequence change replaces serine, which is neutral and polar, with asparagine, which is neutral and polar, at codon 48 of the RUNX1 protein (p.Ser48Asn). This variant is present in population databases (rs748720882, gnomAD 0.0009%). This variant has not been reported in the literature in individuals affected with RUNX1-related conditions. ClinVar contains an entry for this variant (Variation ID: 2418762). Advanced modeling of protein sequence and biophysical properties (such as structural, functional, and spatial information, amino acid conservation, physicochemical variation, residue mobility, and thermodynamic stability) has been performed at Invitae for this missense variant, however the output from this modeling did not meet the statistical confidence thresholds required to predict the impact of this variant on RUNX1 protein function. In summary, the available evidence is currently insufficient to determine the role of this variant in disease. Therefore, it has been classified as a Variant of Uncertain Significance.

NM_001754.5(RUNX1):c.143G>A (p.Ser48Asn)

Gene: RUNX1 (RUNX family transcription factor 1; minus strand). Cytogenetic location: 21q22.12.
Variant type: single nucleotide variant.
Coding change: c.143G>A on transcript NM_001754.5 (MANE Select); coding-DNA position 143, G replaced by A.
Protein change: p.Ser48Asn; replaces serine 48 with asparagine.
Molecular consequence: missense variant.
Genome position (GRCh38, 1-based): chr21:34,887,051, C>T on the plus strand (G>A on the coding strand, the complement: RUNX1 is on the minus strand). VCF-style: chr21-34887051-C-T. GRCh37 (hg19) VCF-style: chr21-36259348-C-T.
Other names: NM_001754.5(RUNX1):c.143G>A; p.Ser48Asn; c.62G>A, p.Ser21Asn (NM_001001890.3, NM_001122607.2); short protein forms S21N, S48N.
Identifiers: ClinVar variation 2418762 (VCV002418762.7), dbSNP rs748720882, ClinGen allele CA10014586.